The following is an entry in ClinVar:

ClinVar aggregate classification (germline): Likely pathogenic (1 of 4 stars; one submission).

Conditions:
Hepatic methionine adenosyltransferase deficiency. Also called: Methionine adenosyltransferase deficiency; Deficiency of methionine adenosyltransferase; MAT I/III DEFICIENCY; Isolated Persistent Hypermethioninemia. Identifiers: Orphanet 168598, MedGen C0268621, MeSH C564683, MONDO:0009607, OMIM 250850.

Submission:

Labcorp Genetics (formerly Invitae), Labcorp
Classification: Likely pathogenic for Hepatic methionine adenosyltransferase deficiency. Last evaluated: 2019-08-22. Review status: criteria provided, single submitter. Criteria: Invitae Variant Classification Sherloc (09022015). Collection method: clinical testing. Allele origin: germline.
Comment: In summary, the currently available evidence indicates that the variant is pathogenic, but additional data are needed to prove that conclusively. Therefore, this variant has been classified as Likely Pathogenic. Donor and acceptor splice site variants typically lead to a loss of protein function (PMID: 16199547), and loss-of-function variants in MAT1A are known to be pathogenic (PMID: 20675163, 24231718). Algorithms developed to predict the effect of sequence changes on RNA splicing suggest that this variant may disrupt the consensus splice site, but this prediction has not been confirmed by published transcriptional studies. This variant has not been reported in the literature in individuals with MAT1A-related conditions. This variant is not present in population databases (ExAC no frequency). This sequence change affects an acceptor splice site in intron 1 of the MAT1A gene. It is expected to disrupt RNA splicing and likely results in an absent or disrupted protein product.

Literature cited by the submitters: PubMed 16199547; PubMed 20675163; PubMed 24231718.

NM_000429.3(MAT1A):c.92-2A>C

Gene: MAT1A (methionine adenosyltransferase 1A; minus strand). Cytogenetic location: 10q22.3.
Variant type: single nucleotide variant.
Coding change: c.92-2A>C on transcript NM_000429.3 (MANE Select); the canonical splice acceptor site of the intron before coding-DNA position 92, A replaced by C.
Molecular consequence: splice acceptor variant.
Genome position (GRCh38, 1-based): chr10:80,285,591, T>G on the plus strand (A>C on the coding strand, the complement: MAT1A is on the minus strand). VCF-style: chr10-80285591-T-G. GRCh37 (hg19) VCF-style: chr10-82045347-T-G.
Identifiers: ClinVar variation 959849 (VCV000959849.8), dbSNP rs1841639385, ClinGen allele CA377363861.